The following is an entry in ClinVar:

ClinVar aggregate classification (germline): Uncertain significance (1 of 4 stars; one submission).

Conditions:
Charcot-Marie-Tooth disease axonal type 2O. Also called: Charcot-Marie-Tooth disease, axonal, type 20; CHARCOT-MARIE-TOOTH NEUROPATHY, AXONAL, TYPE 2O; CHARCOT-MARIE-TOOTH DISEASE, AXONAL, AUTOSOMAL DOMINANT, TYPE 2O; Charcot-Marie-Tooth Neuropathy Type 2O. Identifiers: Orphanet 284232, MedGen C3280220, MONDO:0013644, OMIM 614228.

Submission:

Labcorp Genetics (formerly Invitae), Labcorp
Classification: Uncertain significance for Charcot-Marie-Tooth disease axonal type 2O. Last evaluated: 2023-08-29. Review status: criteria provided, single submitter. Criteria: Invitae Variant Classification Sherloc (09022015). Collection method: clinical testing. Allele origin: germline.
Comment: This sequence change falls in intron 73 of the DYNC1H1 gene. It does not directly change the encoded amino acid sequence of the DYNC1H1 protein. It affects a nucleotide within the consensus splice site. In summary, the available evidence is currently insufficient to determine the role of this variant in disease. Therefore, it has been classified as a Variant of Uncertain Significance. Variants that disrupt the consensus splice site are a relatively common cause of aberrant splicing (PMID: 17576681, 9536098). Algorithms developed to predict the effect of sequence changes on RNA splicing suggest that this variant is not likely to affect RNA splicing. This variant has not been reported in the literature in individuals affected with DYNC1H1-related conditions. This variant is not present in population databases (gnomAD no frequency).

Literature cited by the submitters: PubMed 17576681; PubMed 9536098.

NM_001376.5(DYNC1H1):c.13218+4G>C

Gene: DYNC1H1 (dynein cytoplasmic 1 heavy chain 1; plus strand). Cytogenetic location: 14q32.31.
Variant type: single nucleotide variant.
Coding change: c.13218+4G>C on transcript NM_001376.5 (MANE Select); 4 bases into the intron after coding-DNA position 13218, G replaced by C.
Molecular consequence: intron variant.
Genome position (GRCh38, 1-based): chr14:102,048,032, G>C. VCF-style: chr14-102048032-G-C. GRCh37 (hg19) VCF-style: chr14-102514369-G-C.
Identifiers: ClinVar variation 2815374 (VCV002815374.3), dbSNP rs2503881255, ClinGen allele CA2739279233.